The following is an entry in ClinVar:

NM_000094.4(COL7A1):c.3721C>T (p.Gln1241Ter)

Gene: COL7A1 (collagen type VII alpha 1 chain; minus strand). Cytogenetic location: 3p21.31.
Variant type: single nucleotide variant.
Coding change: c.3721C>T on transcript NM_000094.4 (MANE Select); coding-DNA position 3721, C replaced by T.
Protein change: p.Gln1241Ter; replaces glutamine 1241 with a stop codon.
Molecular consequence: nonsense.
Genome position (GRCh38, 1-based): chr3:48,586,076, G>A on the plus strand (C>T on the coding strand, the complement: COL7A1 is on the minus strand). VCF-style: chr3-48586076-G-A. GRCh37 (hg19) VCF-style: chr3-48623509-G-A.
Other names: short protein forms Q1241*.
Identifiers: ClinVar variation 3664297 (VCV003664297.2).

ClinVar aggregate classification (germline): Pathogenic (1 of 4 stars; one submission).

Submission:

Labcorp Genetics (formerly Invitae), Labcorp
Classification: Pathogenic. Last evaluated: 2025-06-01. Review status: criteria provided, single submitter. Criteria: Invitae Variant Classification Sherloc (09022015). Collection method: clinical testing. Allele origin: germline.
Comment: This sequence change creates a premature translational stop signal (p.Gln1241*) in the COL7A1 gene. It is expected to result in an absent or disrupted protein product. Loss-of-function variants in COL7A1 are known to be pathogenic (PMID: 16971478). This variant is not present in population databases (gnomAD no frequency). This variant has not been reported in the literature in individuals affected with COL7A1-related conditions. ClinVar contains an entry for this variant (Variation ID: 3664297). Algorithms developed to predict the effect of sequence changes on RNA splicing suggest that this variant may disrupt the consensus splice site. For these reasons, this variant has been classified as Pathogenic.

Literature cited by the submitters: PubMed 16971478.